The following is an entry in ClinVar:

ClinVar aggregate classification (germline): Uncertain significance (1 of 4 stars; one submission).

Conditions:
Gastrointestinal defects and immunodeficiency syndrome 2 (GIDID2). Also called: MULTIPLE INTESTINAL ATRESIA WITH OR WITHOUT LEUKOPENIA. Identifiers: MedGen C5676901, MONDO:0030669, OMIM 619708.
Spastic paraplegia 84, autosomal recessive (SPG84). Identifiers: Orphanet 631079, MedGen C5562025, MONDO:0030482, OMIM 619621.
Polymicrogyria, perisylvian, with cerebellar hypoplasia and arthrogryposis (NEDSPLB). Identifiers: MedGen C4225295, MONDO:0014679, OMIM 616531.

Submission:

Juno Genomics, Hangzhou Juno Genomics, Inc
Classification: Uncertain significance for Gastrointestinal defects and immunodeficiency syndrome 2; Polymicrogyria, perisylvian, with cerebellar hypoplasia and arthrogryposis; Spastic paraplegia 84, autosomal recessive. Review status: criteria provided, single submitter. Criteria: ACMG Guidelines, 2015. Collection method: clinical testing. Allele origin: germline.
Comment: Protein length changes due to in-frame deletions/insertions in a non-repeat region or stop-loss variants.;Absent from controls (or at extremely low frequency if recessive) in Genome Aggregation Database.

NM_058004.4(PI4KA):c.151_153del (p.Glu51del)

Gene: PI4KA (phosphatidylinositol 4-kinase alpha; minus strand). Cytogenetic location: 22q11.21.
Variant type: Deletion.
Coding change: c.151_153del on transcript NM_058004.4 (MANE Select); coding-DNA positions 151 to 153, 3 bases deleted (GAG; older notation c.151_153delGAG).
Protein change: p.Glu51del; deletes glutamic acid 51.
Molecular consequence: inframe deletion.
Genome position (GRCh38, 1-based): chr22:20,858,573-20,858,575, CTC deleted on the plus strand (GAG on the coding strand, the reverse complement: PI4KA is on the minus strand); deleting any 3 consecutive bases within chr22:20,858,573-20,858,576 gives the same sequence; the c. name uses the placement nearest the transcript's 3' end. VCF-style (leftmost placement, unchanged base first): chr22-20858572-TCTC-T. GRCh37 (hg19) VCF-style: chr22-21212860-TCTC-T.
Other names: c.151_153del, p.Glu51del (NM_001362862.2, NM_001362863.2); short protein forms E51del.
Identifiers: ClinVar variation 5006450 (VCV005006450.2).